The following is an entry in ClinVar:

NM_001346754.2(PIGW):c.1369A>G (p.Ile457Val)

Genes: MYO19 (myosin XIX; minus strand), PIGW (phosphatidylinositol glycan anchor biosynthesis class W; plus strand). Cytogenetic location: 17q12.
Variant type: single nucleotide variant.
Coding change: c.1369A>G on transcript NM_001346754.2 (MANE Select); coding-DNA position 1369, A replaced by G.
Protein change: p.Ile457Val; replaces isoleucine 457 with valine.
Molecular consequence: missense variant.
Genome position (GRCh38, 1-based): chr17:36,538,470, A>G. VCF-style: chr17-36538470-A-G. GRCh37 (hg19) VCF-style: chr17-34894319-A-G.
Other names: c.1369A>G, p.Ile457Val (NM_001346755.2, NM_178517.5); short protein forms I457V.
Identifiers: ClinVar variation 1478882 (VCV001478882.8), dbSNP rs2142622297, ClinGen allele CA399164835.

ClinVar aggregate classification (germline): Uncertain significance (1 of 4 stars; one submission).

Conditions:
Hyperphosphatasia with intellectual disability syndrome 5 (GPIBD11). Also called: GLYCOSYLPHOSPHATIDYLINOSITOL BIOSYNTHESIS DEFECT 11. Identifiers: Orphanet 247262, MedGen C4014958, MONDO:0014457, OMIM 616025.

Allele frequency attached by ClinVar (database versions not stated): gnomAD exomes below 0.00001.
gnomAD v4.1: 2 of 1,614,164 alleles (0.00012%); highest among the groups gnomAD compares: Non-Finnish European, 0.00017%; no homozygotes.

Submission:

Labcorp Genetics (formerly Invitae), Labcorp
Classification: Uncertain significance for Hyperphosphatasia with intellectual disability syndrome 5. Last evaluated: 2024-10-14. Review status: criteria provided, single submitter. Criteria: Invitae Variant Classification Sherloc (09022015). Collection method: clinical testing. Allele origin: germline.
Comment: This sequence change replaces isoleucine, which is neutral and non-polar, with valine, which is neutral and non-polar, at codon 457 of the PIGW protein (p.Ile457Val). This variant is not present in population databases (gnomAD no frequency). This variant has not been reported in the literature in individuals affected with PIGW-related conditions. ClinVar contains an entry for this variant (Variation ID: 1478882). Invitae Evidence Modeling of protein sequence and biophysical properties (such as structural, functional, and spatial information, amino acid conservation, physicochemical variation, residue mobility, and thermodynamic stability) indicates that this missense variant is not expected to disrupt PIGW protein function with a negative predictive value of 80%. In summary, the available evidence is currently insufficient to determine the role of this variant in disease. Therefore, it has been classified as a Variant of Uncertain Significance.